The following is an entry in ClinVar:

NM_014846.4(WASHC5):c.2647A>G (p.Met883Val)

Genes: WASHC5 (WASH complex subunit 5; minus strand), WASHC5-AS1 (WASHC5 antisense RNA 1; plus strand). Cytogenetic location: 8q24.13.
Variant type: single nucleotide variant.
Coding change: c.2647A>G on transcript NM_014846.4 (MANE Select); coding-DNA position 2647, A replaced by G.
Protein change: p.Met883Val; replaces methionine 883 with valine.
Molecular consequence: missense variant. On other transcripts: non-coding transcript variant (1).
Genome position (GRCh38, 1-based): chr8:125,044,556, T>C on the plus strand (A>G on the coding strand, the complement: WASHC5 is on the minus strand). VCF-style: chr8-125044556-T-C. GRCh37 (hg19) VCF-style: chr8-126056798-T-C.
Other names: c.2203A>G, p.Met735Val (NM_001330609.2); short protein forms M735V, M883V.
Identifiers: ClinVar variation 2126849 (VCV002126849.4), dbSNP rs1815998859, ClinGen allele CA372188211.

ClinVar aggregate classification (germline): Uncertain significance (1 of 4 stars; one submission).

Conditions:
Hereditary spastic paraplegia 8 (SPG8). Also called: SPASTIC PARAPLEGIA 8, AUTOSOMAL DOMINANT. Identifiers: Orphanet 100989, MedGen C1863704, MONDO:0011339, OMIM 603563.
Ritscher-Schinzel syndrome. Also called: CRANIOCEREBELLOCARDIAC DYSPLASIA. Identifiers: Orphanet 7, MedGen C0796137, MONDO:0019078.

Allele frequency attached by ClinVar (database versions not stated): TOPMed below 0.00001; gnomAD exomes below 0.00001.
gnomAD v4.1: 5 of 1,614,078 alleles (0.00031%); highest among the groups gnomAD compares: Non-Finnish European, 0.00042%; no homozygotes.

Submission:

Labcorp Genetics (formerly Invitae), Labcorp
Classification: Uncertain significance for Ritscher-Schinzel syndrome; Hereditary spastic paraplegia 8. Last evaluated: 2022-11-24. Review status: criteria provided, single submitter. Criteria: Invitae Variant Classification Sherloc (09022015). Collection method: clinical testing. Allele origin: germline.
Comment: In summary, the available evidence is currently insufficient to determine the role of this variant in disease. Therefore, it has been classified as a Variant of Uncertain Significance. Advanced modeling of protein sequence and biophysical properties (such as structural, functional, and spatial information, amino acid conservation, physicochemical variation, residue mobility, and thermodynamic stability) performed at Invitae indicates that this missense variant is expected to disrupt WASHC5 protein function. This variant has not been reported in the literature in individuals affected with WASHC5-related conditions. This variant is not present in population databases (gnomAD no frequency). This sequence change replaces methionine, which is neutral and non-polar, with valine, which is neutral and non-polar, at codon 883 of the WASHC5 protein (p.Met883Val).